The following is an entry in ClinVar:

NM_000222.3(KIT):c.414C>A (p.Leu138=)

Gene: KIT (KIT proto-oncogene, receptor tyrosine kinase; plus strand). Cytogenetic location: 4q12.
Variant type: single nucleotide variant.
Coding change: c.414C>A on transcript NM_000222.3 (MANE Select); coding-DNA position 414, C replaced by A.
Protein change: p.Leu138=; no amino-acid change (leucine 138 retained).
Molecular consequence: synonymous variant.
Genome position (GRCh38, 1-based): chr4:54,698,360, C>A. VCF-style: chr4-54698360-C-A. GRCh37 (hg19) VCF-style: chr4-55564526-C-A.
Other names: c.414C>A, p.Leu138= (NM_001093772.2, NM_001385284.1, NM_001385285.1 and 4 more transcripts).
Identifiers: ClinVar variation 1738230 (VCV001738230.6), dbSNP rs2109672512, ClinGen allele CA439409158.

ClinVar aggregate classification (germline): Benign/Likely benign. Review status: criteria provided, multiple submitters, no conflicts (2 of 4 stars). 3 submissions from 3 submitters: Benign (1); Likely benign (2). Last evaluated 2026-06-03.

Conditions:
Hereditary cancer-predisposing syndrome. Also called: Tumor predisposition; Neoplastic Syndromes, Hereditary; Hereditary Cancer Syndrome; Hereditary neoplastic syndrome. Identifiers: Orphanet 140162, MedGen C0027672, MeSH D009386, MONDO:0015356.
Gastrointestinal stromal tumor. Also called: Gastrointestinal stroma tumor; Gastrointestinal stromal tumor, somatic. Identifiers: Orphanet 44890, MedGen C0238198, MeSH D046152, MONDO:0011719, OMIM 606764, HP:0100723.

gnomAD v4.1: 2 of 1,614,162 alleles (0.00012%); highest among the groups gnomAD compares: Non-Finnish European, 0.00017%; no homozygotes.

Submissions (3):

Myriad Genetics, Inc.
Classification: Benign for Gastrointestinal stromal tumor. Last evaluated: 2026-06-03. Review status: criteria provided, single submitter. Criteria: Myriad Autosomal Dominant, Autosomal Recessive and X-Linked Classification Criteria (2023). Collection method: clinical testing. Allele origin: unknown.
Comment: This variant is considered benign. This variant is a silent/synonymous amino acid change and it is not expected to impact splicing.

Labcorp Genetics (formerly Invitae), Labcorp
Classification: Likely benign for Gastrointestinal stromal tumor. Last evaluated: 2024-12-09. Review status: criteria provided, single submitter. Criteria: Invitae Variant Classification Sherloc (09022015). Collection method: clinical testing. Allele origin: germline.

Ambry Genetics
Classification: Likely benign for Hereditary cancer-predisposing syndrome. Last evaluated: 2022-10-27. Review status: criteria provided, single submitter. Criteria: Ambry Variant Classification Scheme 2023. Collection method: clinical testing. Allele origin: germline.